The following is an entry in ClinVar:

ClinVar aggregate classification (germline): Pathogenic/Likely pathogenic. Review status: criteria provided, multiple submitters, no conflicts (2 of 4 stars). 4 submissions from 4 submitters: Pathogenic (1); Likely pathogenic (3). Last evaluated 2025-01-21.

Conditions:
MHC class II deficiency 1 (MHC2D1). Also called: Bare lymphocyte syndrome type 2, complementation group A; BARE LYMPHOCYTE SYNDROME, TYPE II, COMPLEMENTATION GROUP A; SCID, HLA CLASS II-NEGATIVE. Identifiers: MedGen C1859534, MONDO:0971005, OMIM 209920.
Rheumatoid arthritis (RA). Also called: RHEUMATOID ARTHRITIS, SUSCEPTIBILITY TO. Identifiers: MedGen C0003873, MONDO:0008383, OMIM 180300, HP:0001370.
MHC class II deficiency. Also called: Bare lymphocyte syndrome 2; BLS, TYPE II. Identifiers: Orphanet 572, MedGen C5447452, MONDO:0008855.

Submissions (4):

Natera, Inc.
Classification: Likely pathogenic for Bare lymphocyte syndrome type II. Last evaluated: 2025-01-21. Review status: criteria provided, single submitter. Criteria: Natera Variant Classification Schema (03/2026). Collection method: clinical testing. Allele origin: germline.
Comment: The c.2290delC variant in CIITA is a frameshift variant predicted to shift the reading frame beginning at codon 764 and leads to a stop codon 30 codons downstream. This variant is expected to result in nonsense mediated decay, truncation, or a dysfunctional protein product. This variant is rare in the general population with a frequency below the threshold expected for the associated phenotype(s). Given the available evidence, this variant is classified as Likely Pathogenic.

Fulgent Genetics
Classification: Likely pathogenic for Rheumatoid arthritis; MHC class II deficiency 1. Last evaluated: 2024-06-08. Review status: criteria provided, single submitter. Criteria: ACMG Guidelines, 2015. Collection method: clinical testing. Allele origin: germline.

Labcorp Genetics (formerly Invitae), Labcorp
Classification: Pathogenic for MHC class II deficiency. Last evaluated: 2022-09-07. Review status: criteria provided, single submitter. Criteria: Invitae Variant Classification Sherloc (09022015). Collection method: clinical testing. Allele origin: germline.
Comment: This sequence change creates a premature translational stop signal (p.Gln764Serfs*30) in the CIITA gene. It is expected to result in an absent or disrupted protein product. Loss-of-function variants in CIITA are known to be pathogenic (PMID: 8402893, 9099848, 26271388). This variant is not present in population databases (gnomAD no frequency). This variant has not been reported in the literature in individuals affected with CIITA-related conditions. ClinVar contains an entry for this variant (Variation ID: 420718). For these reasons, this variant has been classified as Pathogenic.

GeneDx
Classification: Likely pathogenic. Last evaluated: 2020-04-03. Review status: criteria provided, single submitter. Criteria: GeneDx Variant Classification Process June 2021. Collection method: clinical testing. Allele origin: germline. Affected: yes.
Comment: Frameshift variant predicted to result in protein truncation or nonsense mediated decay in a gene for which loss-of-function is a known mechanism of disease; Not observed in large population cohorts (Lek et al., 2016); Has not been previously published as pathogenic or benign to our knowledge

Literature cited by the submitters: PubMed 8402893 (cited by Labcorp Genetics (formerly Invitae), Labcorp); PubMed 9099848 (cited by Labcorp Genetics (formerly Invitae), Labcorp); PubMed 26271388 (cited by Labcorp Genetics (formerly Invitae), Labcorp).

NM_000246.4(CIITA):c.2290del (p.Gln764fs)

Gene: CIITA (class II major histocompatibility complex transactivator; plus strand). Cytogenetic location: 16p13.13.
Variant type: Deletion.
Coding change: c.2290del on transcript NM_000246.4 (MANE Select); coding-DNA position 2290, one base deleted (C; older notation c.2290delC).
Protein change: p.Gln764fs; shifts the reading frame from glutamine 764.
Molecular consequence: frameshift variant. On other transcripts: intron variant (1).
Genome position (GRCh38, 1-based): chr16:10,907,782, C deleted; the last of 2 consecutive C bases (chr16:10,907,781-10,907,782); deleting either gives the same sequence. VCF-style (leftmost placement, unchanged base first): chr16-10907780-TC-T. GRCh37 (hg19) VCF-style: chr16-11001637-TC-T.
Other names: c.2290delC (NM_000246.3); c.2293del, p.Gln765fs (NM_001286402.1, NM_001379332.1); c.2146del, p.Gln716fs (NM_001379330.1); c.2143del, p.Gln715fs (NM_001379331.1); c.2290del, p.Gln764fs (NM_001379333.1); c.2221del, p.Gln741fs (NM_001379334.1); c.860-1201del (NM_001286403.2); short protein forms Q765fs, Q764fs, Q715fs, Q716fs, Q741fs.
Identifiers: ClinVar variation 420718 (VCV000420718.9), dbSNP rs1064794659, ClinGen allele CA16620064.